The following is an entry in ClinVar:

ClinVar aggregate classification (germline): Likely pathogenic (1 of 4 stars; one submission).

Conditions:
Asphyxiating thoracic dystrophy 3. Also called: SHORT-RIB THORACIC DYSPLASIA 3 WITH OR WITHOUT POLYDACTYLY; POLYDACTYLY WITH NEONATAL CHONDRODYSTROPHY, TYPE I; SHORT-RIB THORACIC DYSPLASIA 3/6 WITH POLYDACTYLY, DIGENIC; Short rib polydactyly syndrome 2B; Saldino-Noonan Syndrome. Identifiers: Orphanet 474, Orphanet 93269, Orphanet 93270, Orphanet 93271, MedGen C0036069, MONDO:0013127, OMIM 613091.

Allele frequency attached by ClinVar (database versions not stated): gnomAD exomes below 0.00001; ExAC 0.00001; gnomAD 0.00001.
gnomAD v4.1: 7 of 1,606,088 alleles (0.00044%); highest among the groups gnomAD compares: South Asian, 0.0022%; no homozygotes.

Submission:

Foundation for Research in Genetics and Endocrinology, FRIGE's Institute of Human Genetics
Classification: Likely pathogenic for Asphyxiating thoracic dystrophy 3. Last evaluated: 2023-08-04. Review status: criteria provided, single submitter. Criteria: ACMG Guidelines, 2015. Collection method: clinical testing. Allele origin: germline. Inheritance: Autosomal recessive inheritance. Affected: yes. Observed: 1 homozygote.
Comment: The identified homozygous missense substitution (p.Arg2426Cys) lies in exon 44 of the DYNC2H1 gene. The identified variant has been reported in the dbSNP database with identification number rs755651498 and in the gnomAD database with MAF of 0.00007%. The missense variants, such as p.Gly2461Val and p.Pro2496Ser have been reported as pathogenic in the ClinVar database with respect to asphyxiating thoracic dystrophy 3. The in silico prediction of the variant is damaging by Mutation Taster, SIFT and Mutation Assessor. In summary, the variant meets our criteria to be classified as likely pathogenic.

NM_001377.3(DYNC2H1):c.7276C>T (p.Arg2426Cys)

Gene: DYNC2H1 (dynein cytoplasmic 2 heavy chain 1; plus strand). Cytogenetic location: 11q22.3.
Variant type: single nucleotide variant.
Coding change: c.7276C>T on transcript NM_001377.3 (MANE Select); coding-DNA position 7276, C replaced by T.
Protein change: p.Arg2426Cys; replaces arginine 2426 with cysteine.
Molecular consequence: missense variant.
Genome position (GRCh38, 1-based): chr11:103,188,632, C>T. VCF-style: chr11-103188632-C-T. GRCh37 (hg19) VCF-style: chr11-103059361-C-T.
Other names: p.Arg2426Cys; c.7276C>T, p.Arg2426Cys (NM_001080463.2); short protein forms R2426C.
Identifiers: ClinVar variation 2574678 (VCV002574678.3), dbSNP rs755651498, ClinGen allele CA6254192.
Genomic context (GRCh38, chr11:103,188,632, plus strand): 5'-ATGTCAGCTGGAGGAAGACTGGGAAGACATAAACTTACTACCAGATTTACTTCCATCGTT[C>T]GTCTTTGTTCTATAGAGTATGTATCTTTGTGTTTCAGATTTTTTAATTTGGGAAGATATC-3'
Protein context (NP_001368.2, residues 2416-2436): KLTTRFTSIV[Arg2426Cys]LCSIDYPERE